The following is an entry in ClinVar:

ClinVar aggregate classification (germline): Uncertain significance. Review status: criteria provided, single submitter (1 of 4 stars). 2 submissions from 2 submitters: Uncertain significance (1). 1 of the submissions does not count toward it. Last evaluated 2023-04-26.

Conditions:
FLNB-related disorder. Also called: FLNB-related condition; FLNB-related disorders. Identifiers: MedGen CN381095.

Allele frequency attached by ClinVar (database versions not stated): gnomAD exomes below 0.00001; TOPMed below 0.00001.
gnomAD v4.1: 1 of 1,613,850 alleles (0.000062%); highest among the groups gnomAD compares: Non-Finnish European, 0.000085%; no homozygotes.

Submissions (2):

Labcorp Genetics (formerly Invitae), Labcorp
Classification: Uncertain significance. Last evaluated: 2023-04-26. Review status: criteria provided, single submitter. Criteria: Invitae Variant Classification Sherloc (09022015). Collection method: clinical testing. Allele origin: germline.
Comment: In summary, the available evidence is currently insufficient to determine the role of this variant in disease. Therefore, it has been classified as a Variant of Uncertain Significance. Advanced modeling of protein sequence and biophysical properties (such as structural, functional, and spatial information, amino acid conservation, physicochemical variation, residue mobility, and thermodynamic stability) performed at Invitae indicates that this missense variant is not expected to disrupt FLNB protein function. This variant has not been reported in the literature in individuals affected with FLNB-related conditions. This variant is not present in population databases (gnomAD no frequency). This sequence change replaces leucine, which is neutral and non-polar, with glutamine, which is neutral and polar, at codon 1957 of the FLNB protein (p.Leu1957Gln).

PreventionGenetics, part of Exact Sciences
Classification: Uncertain significance for FLNB-related condition. Last evaluated: 2024-07-19. Review status: no assertion criteria provided. Collection method: clinical testing. Allele origin: germline. Not counted in ClinVar's aggregate classification.
Comment: The FLNB c.5870T>A variant is predicted to result in the amino acid substitution p.Leu1957Gln. To our knowledge, this variant has not been reported in the literature or in a large population database, indicating this variant is rare. At this time, the clinical significance of this variant is uncertain due to the absence of conclusive functional and genetic evidence.

NM_001457.4(FLNB):c.5870T>A (p.Leu1957Gln)

Gene: FLNB (filamin B; plus strand). Cytogenetic location: 3p14.3.
Variant type: single nucleotide variant.
Coding change: c.5870T>A on transcript NM_001457.4 (MANE Select); coding-DNA position 5870, T replaced by A.
Protein change: p.Leu1957Gln; replaces leucine 1957 with glutamine.
Molecular consequence: missense variant.
Genome position (GRCh38, 1-based): chr3:58,148,347, T>A. VCF-style: chr3-58148347-T-A. GRCh37 (hg19) VCF-style: chr3-58134074-T-A.
Other names: c.5963T>A, p.Leu1988Gln (NM_001164317.2); c.5837T>A, p.Leu1946Gln (NM_001164318.2); c.5798T>A, p.Leu1933Gln (NM_001164319.2); c.5870T>A (NM_001457.3); short protein forms L1957Q, L1946Q, L1933Q, L1988Q.
Identifiers: ClinVar variation 2956244 (VCV002956244.4), dbSNP rs2097339190, ClinGen allele CA353355911.